The following is an entry in ClinVar:

NM_007315.4(STAT1):c.1727+13G>A

Gene: STAT1 (signal transducer and activator of transcription 1; minus strand). Cytogenetic location: 2q32.2.
Variant type: single nucleotide variant.
Coding change: c.1727+13G>A on transcript NM_007315.4 (MANE Select); 13 bases into the intron after coding-DNA position 1727, G replaced by A.
Molecular consequence: intron variant.
Genome position (GRCh38, 1-based): chr2:190,979,759, C>T on the plus strand (G>A on the coding strand, the complement: STAT1 is on the minus strand). VCF-style: chr2-190979759-C-T. GRCh37 (hg19) VCF-style: chr2-191844485-C-T.
Other names: c.1637+13G>A (NM_001384890.1); c.1628+13G>A (NM_001384883.1); c.1568+13G>A (NM_001384885.1); c.1634+13G>A (NM_001384887.1); c.1667+13G>A (NM_001384880.1); c.1697+13G>A (NM_001384888.1); c.1721+13G>A (NM_001384882.1); c.1727+13G>A (NM_001384889.1, NM_001384886.1, NM_139266.3); and 2 more.
Identifiers: ClinVar variation 333267 (VCV000333267.15), dbSNP rs377146580, ClinGen allele CA2029839.
Genomic context (GRCh38, chr2:190,979,759, plus strand): 5'-CTGGACTCAGGCCTTGTCTCAACCTCGCAGCACTAAAAATATGTTTCAAAATACATCTAT[C>T]GGTGGCCCTTACCCATCATTCCAGAGAGGGAGCAGGTGTTTTTTAATGAGTTCTAGGATG-3'

ClinVar aggregate classification (germline): Conflicting classifications of pathogenicity. Review status: criteria provided, conflicting classifications (1 of 4 stars). 4 submissions from 4 submitters: Uncertain significance (2); Benign (1); Likely benign (1). Last evaluated 2025-10-18.

Conditions:
Mendelian susceptibility to mycobacterial diseases due to partial STAT1 deficiency. Also called: IMMUNODEFICIENCY 31A, MYCOBACTERIOSIS, AUTOSOMAL DOMINANT; STAT1 DEFICIENCY, AUTOSOMAL DOMINANT; Immunodeficiency 31a. Identifiers: Orphanet 319595, MedGen C4013950, MONDO:0013956, OMIM 614892.
Immunodeficiency 31B. Also called: IMMUNODEFICIENCY 31B, MYCOBACTERIAL AND VIRAL INFECTIONS, AUTOSOMAL RECESSIVE; STAT1 DEFICIENCY, AUTOSOMAL RECESSIVE. Identifiers: Orphanet 391311, MedGen C3151088, MONDO:0013427, OMIM 613796.
Autoimmune enteropathy and endocrinopathy - susceptibility to chronic infections syndrome. Also called: Immunodeficiency 31C; Immunodeficiency 31C, autosomal dominant. Identifiers: Orphanet 391487, MedGen C3279990, MONDO:0013599, OMIM 614162.

Allele frequency attached by ClinVar (database versions not stated): gnomAD 0.00004 and 0.00005; ExAC 0.00005; gnomAD exomes 0.00005; TOPMed 0.00009.
gnomAD v4.1: 85 of 1,593,608 alleles (0.0053%); highest among the groups gnomAD compares: Middle Eastern, 0.12%; no homozygotes.

Submissions (4):

Labcorp Genetics (formerly Invitae), Labcorp
Classification: Likely benign for Mendelian susceptibility to mycobacterial diseases due to partial STAT1 deficiency; Immunodeficiency 31B; Autoimmune enteropathy and endocrinopathy - susceptibility to chronic infections syndrome. Last evaluated: 2025-10-18. Review status: criteria provided, single submitter. Criteria: Invitae Variant Classification Sherloc (09022015). Collection method: clinical testing. Allele origin: germline.

Blueprint Genetics
Classification: Uncertain significance. Last evaluated: 2024-09-25. Review status: criteria provided, single submitter. Criteria: ACMG Guidelines, 2015. Collection method: clinical testing. Allele origin: germline.

Baylor Genetics
Classification: Uncertain significance for Mendelian susceptibility to mycobacterial diseases due to partial STAT1 deficiency. Last evaluated: 2018-04-22. Review status: criteria provided, single submitter. Criteria: ACMG Guidelines, 2015. Collection method: clinical testing. Allele origin: unknown. Affected: yes.
Comment: This variant was determined to be of uncertain significance according to ACMG Guidelines, 2015 [PMID:25741868].

Illumina Laboratory Services, Illumina
Classification: Benign for Mendelian susceptibility to mycobacterial diseases due to partial STAT1 deficiency. Last evaluated: 2018-01-12. Review status: criteria provided, single submitter. Criteria: ICSL Variant Classification Criteria 13 December 2019. Collection method: clinical testing. Allele origin: germline.
Comment: This variant was observed in the ICSL laboratory as part of a predisposition screen in an ostensibly healthy population. It had not been previously curated by ICSL or reported in the Human Gene Mutation Database (HGMD: prior to June 1st, 2018), and was therefore a candidate for classification through an automated scoring system. Utilizing variant allele frequency, disease prevalence and penetrance estimates, and inheritance mode, an automated score was calculated to assess if this variant is too frequent to cause the disease. Based on the score and internal cut-off values, a variant classified as benign is not then subjected to further curation. The score for this variant resulted in a classification of benign for this disease.